The following is an entry in ClinVar:

ClinVar aggregate classification (germline): Uncertain significance (1 of 4 stars; one submission).

gnomAD v4.1: 1 of 1,607,802 alleles (0.000062%); highest among the groups gnomAD compares: East Asian, 0.0022%; no homozygotes.

Submission:

GeneDx
Classification: Uncertain significance. Last evaluated: 2024-08-29. Review status: criteria provided, single submitter. Criteria: GeneDx Variant Classification Process June 2021. Collection method: clinical testing. Allele origin: germline. Affected: yes.
Comment: Not observed at significant frequency in large population cohorts (gnomAD); In silico analysis indicates that this missense variant does not alter protein structure/function; Has not been previously published as pathogenic or benign to our knowledge

NM_004667.6(HERC2):c.3013T>C (p.Cys1005Arg)

Gene: HERC2 (HECT and RLD domain containing E3 ubiquitin protein ligase 2; minus strand). Cytogenetic location: 15q13.1.
Variant type: single nucleotide variant.
Coding change: c.3013T>C on transcript NM_004667.6 (MANE Select); coding-DNA position 3013, T replaced by C.
Protein change: p.Cys1005Arg; replaces cysteine 1005 with arginine.
Molecular consequence: missense variant.
Genome position (GRCh38, 1-based): chr15:28,254,377, A>G on the plus strand (T>C on the coding strand, the complement: HERC2 is on the minus strand). VCF-style: chr15-28254377-A-G. GRCh37 (hg19) VCF-style: chr15-28499523-A-G.
Other names: short protein forms C1005R.
Identifiers: ClinVar variation 3767712 (VCV003767712.1).